The following is an entry in ClinVar:

NM_014489.4(PGAP2):c.479A>G (p.Tyr160Cys)

Gene: PGAP2 (post-GPI attachment to proteins 2; plus strand). Cytogenetic location: 11p15.4.
Variant type: single nucleotide variant.
Coding change: c.479A>G on transcript NM_014489.4 (MANE Select); coding-DNA position 479, A replaced by G.
Protein change: p.Tyr160Cys; replaces tyrosine 160 with cysteine.
Molecular consequence: missense variant. On other transcripts: synonymous variant (3), non-coding transcript variant (12), intron variant (1).
Genome position (GRCh38, 1-based): chr11:3,824,013, A>G. VCF-style: chr11-3824013-A-G. GRCh37 (hg19) VCF-style: chr11-3845243-A-G.
Other names: c.296A>G, p.Tyr99Cys (NM_001256238.2, NM_001256239.2, NM_001256240.2 and 7 more transcripts); c.219A>G, p.Leu73= (NM_001283039.2); c.449A>G, p.Tyr150Cys (NM_001346397.2); c.306A>G, p.Leu102= (NM_001346399.2, NM_001346401.2); c.416A>G, p.Tyr139Cys (NM_001346402.2); c.479A>G, p.Tyr160Cys (NM_001346403.1, NM_001256236.2); c.162-257A>G (NM_001283040.1); c.350A>G, p.Tyr117Cys (NM_001256235.2); short protein forms Y99C, Y117C, Y156C, Y217C, Y139C, Y150C, Y160C.
Identifiers: ClinVar variation 50502 (VCV000050502.4), dbSNP rs879255232, ClinGen allele CA10575574.

ClinVar aggregate classification (germline): Pathogenic. Review status: criteria provided, single submitter (1 of 4 stars). 2 submissions from 2 submitters: Pathogenic (1). 1 of the submissions does not count toward it. Last evaluated 2020-03-01.

Conditions:
Hyperphosphatasia with impaired intellectual development syndrome 3. Also called: GLYCOSYLPHOSPHATIDYLINOSITOL BIOSYNTHESIS DEFECT 8; Hyperphosphatasia with intellectual disability syndrome 3. Identifiers: Orphanet 247262, MedGen C3280153, MONDO:0013628, OMIM 614207.

Submissions (2):

Institute of Human Genetics, University of Leipzig Medical Center
Classification: Pathogenic for Hyperphosphatasia with impaired intellectual development syndrome 3. Last evaluated: 2020-03-01. Review status: criteria provided, single submitter. Criteria: ACMG Guidelines, 2015. Collection method: clinical testing. Allele origin: biparental. Inheritance: Autosomal recessive inheritance. Affected: yes.
Comment: Review of the variants reported in Reuter et al., 2017, PMID: 28097321: PS3,PM2,PM3_Supporting,PP1_Strong

OMIM
Classification: Pathogenic for HYPERPHOSPHATASIA WITH IMPAIRED INTELLECTUAL DEVELOPMENT SYNDROME 3. Last evaluated: 2013-04-04. Review status: no assertion criteria provided. Collection method: literature only. Allele origin: germline. Not counted in ClinVar's aggregate classification.

Literature cited by the submitters: PubMed 21629298 (cited by OMIM); PubMed 23561846 (cited by OMIM).